The following is an entry in ClinVar:

NM_001034853.2(RPGR):c.1225del (p.Arg409fs)

Gene: RPGR (retinitis pigmentosa GTPase regulator; minus strand). Cytogenetic location: Xp11.4.
Variant type: Deletion.
Coding change: c.1225del on transcript NM_001034853.2 (MANE Select); coding-DNA position 1225, one base deleted (C; older notation c.1225delC).
Protein change: p.Arg409fs; shifts the reading frame from arginine 409.
Molecular consequence: frameshift variant. On other transcripts: non-coding transcript variant (6), intron variant (2).
Genome position (GRCh38, 1-based): chrX:38,298,976, G deleted on the plus strand (C on the coding strand, the reverse complement: RPGR is on the minus strand). VCF-style (leftmost placement, unchanged base first): chrX-38298975-CG-C. GRCh37 (hg19) VCF-style: chrX-38158228-CG-C.
Other names: c.1225del, p.Arg409fs (NM_000328.3, NM_001367247.1); c.1222del, p.Arg408fs (NM_001367245.1, NM_001367249.1, NM_001367250.1); c.1255del, p.Arg419fs (NM_001367248.1); c.1060-1524del (NM_001367251.1, NM_001367246.1); short protein forms R408fs, R409fs, R419fs.
Identifiers: ClinVar variation 1708318 (VCV001708318.4), dbSNP rs2519828744, ClinGen allele CA2580100948.

ClinVar aggregate classification (germline): Pathogenic/Likely pathogenic. Review status: criteria provided, multiple submitters, no conflicts (2 of 4 stars). 2 submissions from 2 submitters: Pathogenic (1); Likely pathogenic (1). Last evaluated 2022-04-14.

Conditions:
X-linked cone-rod dystrophy 1 (CORDX1). Identifiers: Orphanet 1872, MedGen C1844776, MONDO:0010566, OMIM 304020.

Submissions (2):

MGZ Medical Genetics Center
Classification: Likely pathogenic for X-linked cone-rod dystrophy 1. Last evaluated: 2022-04-14. Review status: criteria provided, single submitter. Criteria: ACMG Guidelines, 2015. Collection method: clinical testing. Allele origin: germline. Affected: yes. Observed: 1 variant allele.
Comment: ACMG criteria applied: PVS1, PM2_SUP

Centre of Medical Genetics, University Hospital Muenster
Classification: Pathogenic. Last evaluated: 2021-12-16. Review status: criteria provided, single submitter. Criteria: ACMG Guidelines, 2015. Collection method: clinical testing. Allele origin: unknown. Affected: yes. Observed: 1 variant allele, 1 homozygote.
Comment: ACMG categories: PVS1,PM2,PP4